The following is an entry in ClinVar:

ClinVar aggregate classification (germline): Benign/Likely benign. Review status: criteria provided, multiple submitters, no conflicts (2 of 4 stars). 6 submissions from 6 submitters: Benign (1); Likely benign (5). Last evaluated 2026-01-26.

Conditions:
FLNA-related disorder.
Heterotopia, periventricular, X-linked dominant (PVNH1). Also called: PERIVENTRICULAR NODULAR HETEROTOPIA 4; HETEROTOPIA, PERIVENTRICULAR, 1; PERIVENTRICULAR NODULAR HETEROTOPIA 1; X-linked periventricular heterotopia. Identifiers: Orphanet 2149, Orphanet 82004, MedGen C1848213, MONDO:0010233, OMIM 300049.
Frontometaphyseal dysplasia (FMD1). Identifiers: Orphanet 1826, MedGen C0265293, MONDO:0015942.
Oto-palato-digital syndrome, type II (OPD2). Also called: OPD II SYNDROME; Otopalatodigital Syndrome Type 2 (FLNA-OPD2); Otopalatodigital Syndrome, Type II; FACIOPALATOOSSEOUS SYNDROME. Identifiers: Orphanet 669, Orphanet 90652, MedGen C1844696, MONDO:0010571, OMIM 304120.
Melnick-Needles syndrome (MNS). Also called: MELNICK-NEEDLES OSTEODYSPLASTY; OSTEODYSPLASTY OF MELNICK AND NEEDLES; Melnick-Needles Syndrome (FLNA-MNS). Identifiers: Orphanet 2484, MedGen C0025237, MONDO:0010650, OMIM 309350.
Familial thoracic aortic aneurysm and aortic dissection (TAAD). Also called: Thoracic aortic aneurysms and dissections. Identifiers: Orphanet 91387, MedGen C4707243, MONDO:0019625.

Allele frequency attached by ClinVar (database versions not stated): gnomAD 0.00003; TOPMed 0.00003; gnomAD exomes 0.00004 and 0.00005; ExAC 0.00005.
gnomAD v4.1: 47 of 1,210,495 alleles (0.0039%); highest among the groups gnomAD compares: Admixed American, 0.013%; no homozygotes.

Submissions (6):

Labcorp Genetics (formerly Invitae), Labcorp
Classification: Benign for Oto-palato-digital syndrome, type II; Heterotopia, periventricular, X-linked dominant; Frontometaphyseal dysplasia; Melnick-Needles syndrome. Last evaluated: 2026-01-26. Review status: criteria provided, single submitter. Criteria: Invitae Variant Classification Sherloc (09022015). Collection method: clinical testing. Allele origin: germline.

CeGaT Center for Human Genetics Tuebingen
Classification: Likely benign. Last evaluated: 2026-01-01. Review status: criteria provided, single submitter. Criteria: CeGaT Center For Human Genetics Tuebingen Variant Classification Criteria Version 2. Collection method: clinical testing. Allele origin: germline. Affected: yes. Observed: 1 variant allele.
Comment: FLNA: BP4, BP7, BS2

PreventionGenetics, part of Exact Sciences
Classification: Likely benign for FLNA-related condition. Last evaluated: 2024-12-31. Review status: criteria provided, single submitter. Criteria: ACMG Guidelines, 2015. Collection method: clinical testing. Allele origin: germline.
Comment: This variant is classified as likely benign based on ACMG/AMP sequence variant interpretation guidelines (Richards et al. 2015 PMID: 25741868, with internal and published modifications).

Blueprint Genetics
Classification: Likely benign. Last evaluated: 2023-10-23. Review status: criteria provided, single submitter. Criteria: ACMG Guidelines, 2015. Collection method: clinical testing. Allele origin: germline.

GeneDx
Classification: Likely benign. Last evaluated: 2019-02-07. Review status: criteria provided, single submitter. Criteria: GeneDx Variant Classification Process June 2021. Collection method: clinical testing. Allele origin: germline. Affected: yes.

Ambry Genetics
Classification: Likely benign for Familial thoracic aortic aneurysm and aortic dissection. Last evaluated: 2016-11-01. Review status: criteria provided, single submitter. Criteria: Ambry Variant Classification Scheme 2023. Collection method: clinical testing. Allele origin: germline.

NM_001110556.2(FLNA):c.5958T>C (p.Thr1986=)

Gene: FLNA (filamin A; minus strand). Cytogenetic location: Xq28.
Variant type: single nucleotide variant.
Coding change: c.5958T>C on transcript NM_001110556.2 (MANE Select); coding-DNA position 5958, T replaced by C.
Protein change: p.Thr1986=; no amino-acid change (threonine 1986 retained).
Molecular consequence: synonymous variant.
Genome position (GRCh38, 1-based): chrX:154,353,360, A>G on the plus strand (T>C on the coding strand, the complement: FLNA is on the minus strand). VCF-style: chrX-154353360-A-G. GRCh37 (hg19) VCF-style: chrX-153581728-A-G.
Other names: c.5934T>C, p.Thr1978= (NM_001456.4); c.5958T>C (NM_001110556.1).
Identifiers: ClinVar variation 588389 (VCV000588389.25), dbSNP rs782787843, ClinGen allele CA10560195.